The following is an entry in ClinVar:

ClinVar aggregate classification (germline): Uncertain significance (1 of 4 stars; one submission).

Conditions:
Intellectual disability, autosomal recessive 42 (NEDDSBA). Also called: Neurodevelopmental disorder with dysmorphic features, spasticity, and brain abnormalities; GLYCOSYLPHOSPHATIDYLINOSITOL BIOSYNTHESIS DEFECT 9. Identifiers: Orphanet 88616, MedGen C4014343, MONDO:0014348, OMIM 615802.

Submission:

Labcorp Genetics (formerly Invitae), Labcorp
Classification: Uncertain significance for Intellectual disability, autosomal recessive 42. Last evaluated: 2024-10-25. Review status: criteria provided, single submitter. Criteria: Invitae Variant Classification Sherloc (09022015). Collection method: clinical testing. Allele origin: germline.
Comment: This sequence change replaces valine, which is neutral and non-polar, with isoleucine, which is neutral and non-polar, at codon 643 of the PGAP1 protein (p.Val643Ile). This variant is not present in population databases (gnomAD no frequency). This variant has not been reported in the literature in individuals affected with PGAP1-related conditions. Invitae Evidence Modeling of protein sequence and biophysical properties (such as structural, functional, and spatial information, amino acid conservation, physicochemical variation, residue mobility, and thermodynamic stability) indicates that this missense variant is not expected to disrupt PGAP1 protein function with a negative predictive value of 80%. In summary, the available evidence is currently insufficient to determine the role of this variant in disease. Therefore, it has been classified as a Variant of Uncertain Significance.

NM_024989.4(PGAP1):c.1927G>A (p.Val643Ile)

Gene: PGAP1 (post-GPI attachment to proteins inositol deacylase 1; minus strand). Cytogenetic location: 2q33.1.
Variant type: single nucleotide variant.
Coding change: c.1927G>A on transcript NM_024989.4 (MANE Select); coding-DNA position 1927, G replaced by A.
Protein change: p.Val643Ile; replaces valine 643 with isoleucine.
Molecular consequence: missense variant.
Genome position (GRCh38, 1-based): chr2:196,847,972, C>T on the plus strand (G>A on the coding strand, the complement: PGAP1 is on the minus strand). VCF-style: chr2-196847972-C-T. GRCh37 (hg19) VCF-style: chr2-197712696-C-T.
Other names: c.1405G>A, p.Val469Ile (NM_001321099.2); c.760G>A, p.Val254Ile (NM_001321100.2); short protein forms V643I, V469I, V254I.
Identifiers: ClinVar variation 3651912 (VCV003651912.2).
Genomic context (GRCh38, chr2:196,847,972, plus strand): 5'-CAATTAAAATCATTATCACAGATAATAAAACTTACCCCAACAGAAACTTAATGATAATTA[C>T]AAAAGGATCAACTTTGTATGGTTTGGCTTCTTTATCCAACATGGTAGCATATTCTAAGCA-3'
Protein context (NP_079265.2, residues 633-653): EAKPYKVDPF[Val643Ile]IIIKFLLGYK